The following is an entry in ClinVar:

NM_006421.5(ARFGEF1):c.5340dup (p.Leu1781fs)

Gene: ARFGEF1 (ARF guanine nucleotide exchange factor 1; minus strand). Cytogenetic location: 8q13.2.
Variant type: Duplication.
Coding change: c.5340dup on transcript NM_006421.5 (MANE Select); coding-DNA position 5340, one base duplicated (A; older notation c.5340dupA).
Protein change: p.Leu1781fs; shifts the reading frame from leucine 1781.
Molecular consequence: frameshift variant.
Genome position (GRCh38, 1-based): chr8:67,200,441, T duplicated on the plus strand (A on the coding strand, the reverse complement: ARFGEF1 is on the minus strand). VCF-style (leftmost placement, unchanged base first): chr8-67200440-G-GT. GRCh37 (hg19) VCF-style: chr8-68112675-G-GT.
Other names: c.5340dup, p.Leu1781Thrfs (NM_001413184.1, NM_001413187.1, NM_001413194.1); c.5322dup, p.Leu1775Thrfs (NM_001413185.1, NM_001413186.1, NM_001413189.1); c.4740dup, p.Leu1581Thrfs (NM_001413188.1, NM_001413197.1); c.5334dup, p.Leu1779Thrfs (NM_001413190.1); c.5244dup, p.Leu1749Thrfs (NM_001413191.1); c.5226dup, p.Leu1743Thrfs (NM_001413192.1); c.4722dup, p.Leu1575Thrfs (NM_001413193.1); c.3915dup, p.Leu1306Thrfs (NM_001413196.1); short protein forms L1781fs.
Identifiers: ClinVar variation 2412829 (VCV002412829.3), dbSNP rs1838287386, ClinGen allele CA1790833375.

ClinVar aggregate classification (germline): Uncertain significance (1 of 4 stars; one submission).

Allele frequency attached by ClinVar (database versions not stated): TOPMed below 0.00001.

Submission:

GeneDx
Classification: Uncertain significance. Last evaluated: 2022-07-29. Review status: criteria provided, single submitter. Criteria: GeneDx Variant Classification Process June 2021. Collection method: clinical testing. Allele origin: germline. Affected: yes.
Comment: Not observed at significant frequency in large population cohorts (gnomAD); Frameshift variant predicted to result in protein truncation as the last 69 amino acids are replaced with 6 different amino acids, although loss-of-function variants have not been reported downstream of this position in the protein; Has not been previously published as pathogenic or benign to our knowledge; Variants in candidate genes are classified as variants of uncertain significance in accordance with ACMG guidelines (Richards et al., 2015)